The following is an entry in ClinVar:

ClinVar aggregate classification (germline): Uncertain significance (1 of 4 stars; one submission).

Conditions:
Inborn genetic diseases. Identifiers: MedGen C0950123, MeSH D030342.

gnomAD v4.1: 2 of 1,188,358 alleles (0.00017%); highest among the groups gnomAD compares: Non-Finnish European, 0.00021%; no homozygotes.

Submission:

Ambry Genetics
Classification: Uncertain significance for Inborn genetic diseases. Last evaluated: 2022-12-23. Review status: criteria provided, single submitter. Criteria: Ambry Variant Classification Scheme 2023. Collection method: clinical testing. Allele origin: germline.
Comment: The p.A7S variant (also known as c.19G>T), located in coding exon 1 of the LTBP3 gene, results from a G to T substitution at nucleotide position 19. The alanine at codon 7 is replaced by serine, an amino acid with similar properties. This amino acid position is conserved. In addition, this alteration is predicted to be tolerated by in silico analysis. Since supporting evidence is limited at this time, the clinical significance of this alteration remains unclear.

NM_001130144.3(LTBP3):c.19G>T (p.Ala7Ser)

Gene: LTBP3 (latent transforming growth factor beta binding protein 3; minus strand). Cytogenetic location: 11q13.1.
Variant type: single nucleotide variant.
Coding change: c.19G>T on transcript NM_001130144.3 (MANE Select); coding-DNA position 19, G replaced by T.
Protein change: p.Ala7Ser; replaces alanine 7 with serine.
Molecular consequence: missense variant. On other transcripts: 5 prime UTR variant (1).
Genome position (GRCh38, 1-based): chr11:65,557,941, C>A on the plus strand (G>T on the coding strand, the complement: LTBP3 is on the minus strand). VCF-style: chr11-65557941-C-A. GRCh37 (hg19) VCF-style: chr11-65325412-C-A.
Other names: c.-329G>T (NM_001164266.1); c.19G>T, p.Ala7Ser (NM_021070.4); short protein forms A7S.
Identifiers: ClinVar variation 2447587 (VCV002447587.2), dbSNP rs2496187944, ClinGen allele CA381278853.
Genomic context (GRCh38, chr11:65,557,941, plus strand): 5'-GCAGCGCCAGCAGCCCCGCCGCCCCCGCCCCGCGCATCTCAGGGGCCAGGCCGCCAGCAG[C>A]CCCTCGGGGCCCGGGCATCCGGGGCCGCAGGACCCGGGGGAGGGGGGGCGCGCCCGGGCG-3'
Protein context (NP_001123616.1, residues 1-17): MPGPRG[Ala7Ser]AGGLAPEMRG